The following is an entry in ClinVar:

ClinVar aggregate classification (germline): Uncertain significance. Review status: criteria provided, multiple submitters, no conflicts (2 of 4 stars). 3 submissions from 3 submitters: Uncertain significance (3). Last evaluated 2025-07-29.

Conditions:
Dilated cardiomyopathy 1JJ (CMD1JJ). Identifiers: Orphanet 154, MedGen C3808935, MONDO:0014095, OMIM 615235.
Cardiovascular phenotype. Identifiers: MedGen CN230736.

Allele frequency attached by ClinVar (database versions not stated): gnomAD 0.00001; gnomAD exomes 0.00002 and 0.00008; TOPMed 0.00002; ExAC 0.00009.
gnomAD v4.1: 27 of 1,613,712 alleles (0.0017%); highest among the groups gnomAD compares: Admixed American, 0.038%; no homozygotes.

Submissions (3):

Ambry Genetics
Classification: Uncertain significance for Cardiovascular phenotype. Last evaluated: 2025-07-29. Review status: criteria provided, single submitter. Criteria: Ambry Variant Classification Scheme 2023. Collection method: clinical testing. Allele origin: germline.
Comment: The p.S528N variant (also known as c.1583G>A), located in coding exon 12 of the LAMA4 gene, results from a G to A substitution at nucleotide position 1583. The serine at codon 528 is replaced by asparagine, an amino acid with highly similar properties. This amino acid position is conserved. In addition, this alteration is predicted to be tolerated by in silico analysis. Based on the available evidence, the clinical significance of this variant remains unclear.

Labcorp Genetics (formerly Invitae), Labcorp
Classification: Uncertain significance for Dilated cardiomyopathy 1JJ. Last evaluated: 2025-04-17. Review status: criteria provided, single submitter. Criteria: Invitae Variant Classification Sherloc (09022015). Collection method: clinical testing. Allele origin: germline.
Comment: This sequence change replaces serine, which is neutral and polar, with asparagine, which is neutral and polar, at codon 528 of the LAMA4 protein (p.Ser528Asn). This variant is present in population databases (rs782574835, gnomAD 0.05%), and has an allele count higher than expected for a pathogenic variant. This variant has not been reported in the literature in individuals affected with LAMA4-related conditions. ClinVar contains an entry for this variant (Variation ID: 840686). Invitae Evidence Modeling of protein sequence and biophysical properties (such as structural, functional, and spatial information, amino acid conservation, physicochemical variation, residue mobility, and thermodynamic stability) indicates that this missense variant is not expected to disrupt LAMA4 protein function with a negative predictive value of 80%. In summary, the available evidence is currently insufficient to determine the role of this variant in disease. Therefore, it has been classified as a Variant of Uncertain Significance.

Clinical Genomics Laboratory, Stanford Medicine
Classification: Uncertain significance. Last evaluated: 2022-01-03. Review status: criteria provided, single submitter. Criteria: ACMG Guidelines, 2015. Collection method: clinical testing. Allele origin: germline. Observed: 1 variant allele, 1 heterozygote.
Comment: The p.Ser535Asn variant in the LAMA4 gene has not been previously reported in association with disease. This variant has been identified in 8/7,224 Other chromosomes (22/282,852 chromosomes overall) by the Genome Aggregation Database. Although this variant has been seen in the general population, it has not been observed at a frequency high enough to rule out pathogenicity. The serine at position 535 is poorly evolutionarily conserved and several species have an asparagine at this position, including two primates. Computational tools predict that the p.Ser535Asn variant does not impact protein function; however, the accuracy of in silico algorithms is limited. These data were assessed using the ACMG/AMP variant interpretation guidelines. In summary, the significance of the p.Ser535Asn variant is uncertain. Additional information is needed to resolve the significance of this variant. [ACMG evidence codes used: BP4]

NM_001105206.3(LAMA4):c.1604G>A (p.Ser535Asn)

Gene: LAMA4 (laminin subunit alpha 4; minus strand). Cytogenetic location: 6q21.
Variant type: single nucleotide variant.
Coding change: c.1604G>A on transcript NM_001105206.3 (MANE Select); coding-DNA position 1604, G replaced by A.
Protein change: p.Ser535Asn; replaces serine 535 with asparagine.
Molecular consequence: missense variant.
Genome position (GRCh38, 1-based): chr6:112,165,224, C>T on the plus strand (G>A on the coding strand, the complement: LAMA4 is on the minus strand). VCF-style: chr6-112165224-C-T. GRCh37 (hg19) VCF-style: chr6-112486426-C-T.
Other names: c.1583G>A (NM_002290.3); c.1604G>A (NM_001105206.2); c.1583G>A, p.Ser528Asn (NM_001105207.3, NM_002290.5); short protein forms S528N, S535N.
Identifiers: ClinVar variation 840686 (VCV000840686.12), dbSNP rs782574835, ClinGen allele CA3965724.